The following is an entry in ClinVar:

ClinVar aggregate classification (germline): Uncertain significance. Review status: criteria provided, multiple submitters, no conflicts (2 of 4 stars). 3 submissions from 3 submitters: Uncertain significance (3). Last evaluated 2025-07-22.

Conditions:
3-hydroxyisobutyryl-CoA hydrolase deficiency. Also called: VALINE METABOLIC DEFECT; Reduced circulating 3-hydroxyisobutyryl-CoA hydrolase activity; Deficiency of 3-hydroxyisobutyryl CoA hydrolase; HIBCH DEFICIENCY; METHACRYLIC ACID TOXICITY; METHACRYLIC ACIDURIA. Identifiers: Orphanet 88639, MedGen C0342738, MONDO:0009603, OMIM 250620, HP:6000215.

Allele frequency attached by ClinVar (database versions not stated): gnomAD 0.00004; TOPMed 0.00004; gnomAD exomes 0.00007; ESP Exome Variant Server 0.00008; ExAC 0.00011; 1000 Genomes Project 30x 0.00016; 1000 Genomes Project 0.00020.
gnomAD v4.1: 100 of 1,556,868 alleles (0.0064%); highest among the groups gnomAD compares: Non-Finnish European, 0.0087%; no homozygotes.

Submissions (3):

Mayo Clinic Laboratories, Mayo Clinic
Classification: Uncertain significance. Last evaluated: 2025-07-22. Review status: criteria provided, single submitter. Criteria: ACMG Guidelines, 2015. Collection method: clinical testing. Allele origin: germline. Observed: 2 variant alleles.
Comment: PP3

Blueprint Genetics
Classification: Uncertain significance. Last evaluated: 2024-07-18. Review status: criteria provided, single submitter. Criteria: ACMG Guidelines, 2015. Collection method: clinical testing. Allele origin: germline.

Labcorp Genetics (formerly Invitae), Labcorp
Classification: Uncertain significance for 3-hydroxyisobutyryl-CoA hydrolase deficiency. Last evaluated: 2022-08-15. Review status: criteria provided, single submitter. Criteria: Invitae Variant Classification Sherloc (09022015). Collection method: clinical testing. Allele origin: germline.
Comment: In summary, the available evidence is currently insufficient to determine the role of this variant in disease. Therefore, it has been classified as a Variant of Uncertain Significance. Algorithms developed to predict the effect of sequence changes on RNA splicing suggest that this variant may create or strengthen a splice site. This variant has not been reported in the literature in individuals affected with HIBCH-related conditions. This variant is present in population databases (rs369841488, gnomAD 0.01%). This sequence change falls in intron 9 of the HIBCH gene. It does not directly change the encoded amino acid sequence of the HIBCH protein.

NM_014362.4(HIBCH):c.751-4A>G

Gene: HIBCH (3-hydroxyisobutyryl-CoA hydrolase; minus strand). Cytogenetic location: 2q32.2.
Variant type: single nucleotide variant.
Coding change: c.751-4A>G on transcript NM_014362.4 (MANE Select); 4 bases into the intron before coding-DNA position 751, A replaced by G.
Molecular consequence: intron variant.
Genome position (GRCh38, 1-based): chr2:190,246,216, T>C on the plus strand (A>G on the coding strand, the complement: HIBCH is on the minus strand). VCF-style: chr2-190246216-T-C. GRCh37 (hg19) VCF-style: chr2-191110942-T-C.
Other names: p.?; c.751-4A>G (NM_198047.3).
Identifiers: ClinVar variation 2167143 (VCV002167143.6), dbSNP rs369841488, ClinGen allele CA2027508.